The following is an entry in ClinVar:

ClinVar aggregate classification (germline): Uncertain significance (1 of 4 stars; one submission).

Conditions:
Hereditary cancer-predisposing syndrome. Also called: Hereditary neoplastic syndrome; Hereditary Cancer Syndrome; Neoplastic Syndromes, Hereditary; Tumor predisposition. Identifiers: Orphanet 140162, MedGen C0027672, MeSH D009386, MONDO:0015356.

Submission:

Ambry Genetics
Classification: Uncertain significance for Hereditary cancer-predisposing syndrome. Last evaluated: 2023-05-25. Review status: criteria provided, single submitter. Criteria: Ambry Variant Classification Scheme 2023. Collection method: clinical testing. Allele origin: germline.
Comment: The p.L394F variant (also known as c.1182G>T), located in coding exon 5 of the BLM gene, results from a G to T substitution at nucleotide position 1182. The leucine at codon 394 is replaced by phenylalanine, an amino acid with highly similar properties. This amino acid position is conserved. In addition, the in silico prediction for this alteration is inconclusive. Since supporting evidence is limited at this time, the clinical significance of this alteration remains unclear.

NM_000057.4(BLM):c.1182G>T (p.Leu394Phe)

Gene: BLM (BLM RecQ like helicase; plus strand). Cytogenetic location: 15q26.1.
Variant type: single nucleotide variant.
Coding change: c.1182G>T on transcript NM_000057.4 (MANE Select); coding-DNA position 1182, G replaced by T.
Protein change: p.Leu394Phe; replaces leucine 394 with phenylalanine.
Molecular consequence: missense variant.
Genome position (GRCh38, 1-based): chr15:90,760,241, G>T. VCF-style: chr15-90760241-G-T. GRCh37 (hg19) VCF-style: chr15-91303471-G-T.
Other names: c.1182G>T, p.Leu394Phe (NM_001287246.2, NM_001287247.2); c.57G>T, p.Leu19Phe (NM_001287248.2); short protein forms L19F, L394F.
Identifiers: ClinVar variation 2566844 (VCV002566844.2), dbSNP rs2505422328, ClinGen allele CA393842494.